The following is an entry in ClinVar:

ClinVar aggregate classification (germline): Uncertain significance (1 of 4 stars; one submission).

Conditions:
DOCK11-related disorder. Also called: DOCK11-related condition.

Submission:

PreventionGenetics, part of Exact Sciences
Classification: Uncertain significance for DOCK11-related condition. Last evaluated: 2025-02-03. Review status: criteria provided, single submitter. Criteria: ACMG Guidelines, 2015. Collection method: clinical testing. Allele origin: germline.
Comment: The DOCK11 c.6087C>T variant is not predicted to result in an amino acid change (p.=). This variant is predicted to alter splicing based on available splicing prediction programs (SpliceAI, Jaganathan et al. 2019. PubMed ID: 30661751). To our knowledge, this variant has not been reported in the literature or in a large population database (gnomAD), indicating this variant is rare. At this time, the clinical significance of this variant is uncertain due to the absence of conclusive functional and genetic evidence.

NM_144658.4(DOCK11):c.6087C>T (p.Asp2029=)

Gene: DOCK11 (dedicator of cytokinesis 11; plus strand). Cytogenetic location: Xq24.
Variant type: single nucleotide variant.
Coding change: c.6087C>T on transcript NM_144658.4 (MANE Select); coding-DNA position 6087, C replaced by T.
Protein change: p.Asp2029=; no amino-acid change (aspartic acid 2029 retained).
Molecular consequence: synonymous variant.
Genome position (GRCh38, 1-based): chrX:118,683,202, C>T. VCF-style: chrX-118683202-C-T. GRCh37 (hg19) VCF-style: chrX-117817165-C-T.
Identifiers: ClinVar variation 4998407 (VCV004998407.1).